The following is an entry in ClinVar:

ClinVar aggregate classification (germline): Likely benign. Review status: criteria provided, single submitter (1 of 4 stars). 2 submissions from 2 submitters: Likely benign (1). 1 of the submissions does not count toward it. Last evaluated 2024-04-30.

Conditions:
MKKS-related disorder. Also called: MKKS-related condition; MKKS-related disorders.
Bardet-Biedl syndrome (BBS). Identifiers: Orphanet 110, MedGen C0752166, MONDO:0015229.
McKusick-Kaufman syndrome (MKKS). Also called: HYDROMETROCOLPOS SYNDROME; HYDROMETROCOLPOS, POSTAXIAL POLYDACTYLY, AND CONGENITAL HEART MALFORMATION. Identifiers: Orphanet 2473, MedGen C0948368, MONDO:0009367, OMIM 236700.

Allele frequency attached by ClinVar (database versions not stated): ExAC 0.00001; gnomAD exomes 0.00001.
gnomAD v4.1: 4 of 1,613,172 alleles (0.00025%); highest among the groups gnomAD compares: Middle Eastern, 0.017%; no homozygotes.

Submissions (2):

Labcorp Genetics (formerly Invitae), Labcorp
Classification: Likely benign for McKusick-Kaufman syndrome; Bardet-Biedl syndrome. Last evaluated: 2024-04-30. Review status: criteria provided, single submitter. Criteria: Invitae Variant Classification Sherloc (09022015). Collection method: clinical testing. Allele origin: germline.

PreventionGenetics, part of Exact Sciences
Classification: Likely benign for MKKS-related condition. Last evaluated: 2019-06-17. Review status: no assertion criteria provided. Collection method: clinical testing. Allele origin: germline. Not counted in ClinVar's aggregate classification.
Comment: This variant is classified as likely benign based on ACMG/AMP sequence variant interpretation guidelines (Richards et al. 2015 PMID: 25741868, with internal and published modifications).

NM_170784.3(MKKS):c.111T>C (p.Tyr37=)

Gene: MKKS (MKKS centrosomal shuttling protein; minus strand). Cytogenetic location: 20p12.2.
Variant type: single nucleotide variant.
Coding change: c.111T>C on transcript NM_170784.3 (MANE Select); coding-DNA position 111, T replaced by C.
Protein change: p.Tyr37=; no amino-acid change (tyrosine 37 retained).
Molecular consequence: synonymous variant.
Genome position (GRCh38, 1-based): chr20:10,413,404, A>G on the plus strand (T>C on the coding strand, the complement: MKKS is on the minus strand). VCF-style: chr20-10413404-A-G. GRCh37 (hg19) VCF-style: chr20-10394052-A-G.
Other names: c.111T>C, p.Tyr37= (NM_018848.3).
Identifiers: ClinVar variation 2037541 (VCV002037541.6), dbSNP rs200149064, ClinGen allele CA9763739.